The following is an entry in ClinVar:

ClinVar aggregate classification (germline): Uncertain significance (1 of 4 stars; one submission).

Conditions:
Kabuki syndrome. Also called: NIIKAWA-KUROKI SYNDROME; Kabuki make-up syndrome. Identifiers: Orphanet 2322, MedGen C0796004, MONDO:0016512.

Allele frequency attached by ClinVar (database versions not stated): gnomAD exomes below 0.00001.
gnomAD v4.1: 1 of 1,613,578 alleles (0.000062%); highest among the groups gnomAD compares: Non-Finnish European, 0.000085%; no homozygotes.

Submission:

Labcorp Genetics (formerly Invitae), Labcorp
Classification: Uncertain significance for Kabuki syndrome. Last evaluated: 2025-10-21. Review status: criteria provided, single submitter. Criteria: Invitae Variant Classification Sherloc (09022015). Collection method: clinical testing. Allele origin: germline.
Comment: This sequence change replaces glutamic acid, which is acidic and polar, with glutamine, which is neutral and polar, at codon 1581 of the KMT2D protein (p.Glu1581Gln). This variant also falls at the last nucleotide of exon 18, which is part of the consensus splice site for this exon. This variant is not present in population databases (gnomAD no frequency). This variant has not been reported in the literature in individuals affected with KMT2D-related conditions. ClinVar contains an entry for this variant (Variation ID: 1461632). An algorithm developed to predict the effect of missense changes on protein structure and function (PolyPhen-2) suggests that this variant is likely to be disruptive. Variants that disrupt the consensus splice site are a relatively common cause of aberrant splicing (PMID: 17576681, 9536098). Algorithms developed to predict the effect of sequence changes on RNA splicing suggest that this variant may disrupt the consensus splice site. In summary, the available evidence is currently insufficient to determine the role of this variant in disease. Therefore, it has been classified as a Variant of Uncertain Significance.

Literature cited by the submitters: PubMed 17576681; PubMed 9536098.

NM_003482.4(KMT2D):c.4741G>C (p.Glu1581Gln)

Gene: KMT2D (lysine methyltransferase 2D; minus strand). Cytogenetic location: 12q13.12.
Variant type: single nucleotide variant.
Coding change: c.4741G>C on transcript NM_003482.4 (MANE Select); coding-DNA position 4741, G replaced by C.
Protein change: p.Glu1581Gln; replaces glutamic acid 1581 with glutamine.
Molecular consequence: missense variant.
Genome position (GRCh38, 1-based): chr12:49,045,920, C>G on the plus strand (G>C on the coding strand, the complement: KMT2D is on the minus strand). VCF-style: chr12-49045920-C-G. GRCh37 (hg19) VCF-style: chr12-49439703-C-G.
Other names: short protein forms E1581Q.
Identifiers: ClinVar variation 1461632 (VCV001461632.8), dbSNP rs2120596214, ClinGen allele CA384643711.